The following is an entry in ClinVar:

ClinVar aggregate classification (germline): Likely pathogenic (1 of 4 stars; one submission).

Conditions:
Temtamy syndrome (TEMTYS). Also called: MENTAL RETARDATION WITH OR WITHOUT CRANIOFACIAL DYSMORPHISM, OCULAR COLOBOMA, OR ABNORMAL CORPUS CALLOSUM. Identifiers: Orphanet 1777, MedGen C1857512, MONDO:0009033, OMIM 218340.

Submission:

Labcorp Genetics (formerly Invitae), Labcorp
Classification: Likely pathogenic for Temtamy syndrome. Last evaluated: 2025-12-27. Review status: criteria provided, single submitter. Criteria: Invitae Variant Classification Sherloc (09022015). Collection method: clinical testing. Allele origin: germline.
Comment: This sequence change affects a donor splice site in intron 1 of the C12orf57 gene. It is expected to disrupt RNA splicing. Variants that disrupt the donor or acceptor splice site typically lead to a loss of protein function (PMID: 16199547), and loss-of-function variants in C12orf57 are known to be pathogenic (PMID: 23453665, 24798461). This variant is not present in population databases (gnomAD no frequency). This variant has not been reported in the literature in individuals affected with C12orf57-related conditions. ClinVar contains an entry for this variant (Variation ID: 1993030). Algorithms developed to predict the effect of sequence changes on RNA splicing suggest that this variant may disrupt the consensus splice site. In summary, the currently available evidence indicates that the variant is pathogenic, but additional data are needed to prove that conclusively. Therefore, this variant has been classified as Likely Pathogenic.

Literature cited by the submitters: PubMed 16199547; PubMed 23453665; PubMed 24798461.

NM_138425.4(C12orf57):c.52+1G>C

Gene: C12orf57 (chromosome 12 open reading frame 57; plus strand). Cytogenetic location: 12p13.31.
Variant type: single nucleotide variant.
Coding change: c.52+1G>C on transcript NM_138425.4 (MANE Select); the canonical splice donor site of the intron after coding-DNA position 52, G replaced by C.
Molecular consequence: splice donor variant. On other transcripts: intron variant (1).
Genome position (GRCh38, 1-based): chr12:6,944,174, G>C. VCF-style: chr12-6944174-G-C. GRCh37 (hg19) VCF-style: chr12-7053337-G-C.
Other names: c.14-302G>C (NM_001301836.2); c.52+1G>C (NM_001301834.1, NM_001301837.2); c.-150+1G>C (NM_001301838.2).
Identifiers: ClinVar variation 1993030 (VCV001993030.4), dbSNP rs782640048, ClinGen allele CA383744264.